The following is an entry in ClinVar:

ClinVar aggregate classification (germline): Uncertain significance (1 of 4 stars; one submission).

Conditions:
Inborn genetic diseases. Identifiers: MedGen C0950123, MeSH D030342.

Allele frequency attached by ClinVar (database versions not stated): gnomAD exomes below 0.00001.
gnomAD v4.1: 1 of 1,614,184 alleles (0.000062%); highest among the groups gnomAD compares: Non-Finnish European, 0.000085%; no homozygotes.

Submission:

Ambry Genetics
Classification: Uncertain significance for Inborn genetic diseases. Last evaluated: 2022-05-11. Review status: criteria provided, single submitter. Criteria: Ambry Variant Classification Scheme 2023. Collection method: clinical testing. Allele origin: germline.
Comment: The p.Q967R variant (also known as c.2900A>G), located in coding exon 14 of the ATR gene, results from an A to G substitution at nucleotide position 2900. The glutamine at codon 967 is replaced by arginine, an amino acid with highly similar properties. This amino acid position is conserved. In addition, this alteration is predicted to be tolerated by in silico analysis. Since supporting evidence is limited at this time, the clinical significance of this alteration remains unclear.

NM_001184.4(ATR):c.2900A>G (p.Gln967Arg)

Gene: ATR (ATR checkpoint kinase; minus strand). Cytogenetic location: 3q23.
Variant type: single nucleotide variant.
Coding change: c.2900A>G on transcript NM_001184.4 (MANE Select); coding-DNA position 2900, A replaced by G.
Protein change: p.Gln967Arg; replaces glutamine 967 with arginine.
Molecular consequence: missense variant.
Genome position (GRCh38, 1-based): chr3:142,550,208, T>C on the plus strand (A>G on the coding strand, the complement: ATR is on the minus strand). VCF-style: chr3-142550208-T-C. GRCh37 (hg19) VCF-style: chr3-142269050-T-C.
Other names: c.2708A>G, p.Gln903Arg (NM_001354579.2); short protein forms Q967R, Q903R.
Identifiers: ClinVar variation 1797447 (VCV001797447.2), dbSNP rs1216434682, ClinGen allele CA354812790.